The following is an entry in ClinVar:

NM_003737.4(DCHS1):c.1937G>T (p.Arg646Leu)

Gene: DCHS1 (dachsous cadherin-related 1; minus strand). Cytogenetic location: 11p15.4.
Variant type: single nucleotide variant.
Coding change: c.1937G>T on transcript NM_003737.4 (MANE Select); coding-DNA position 1937, G replaced by T.
Protein change: p.Arg646Leu; replaces arginine 646 with leucine.
Molecular consequence: missense variant.
Genome position (GRCh38, 1-based): chr11:6,634,167, C>A on the plus strand (G>T on the coding strand, the complement: DCHS1 is on the minus strand). VCF-style: chr11-6634167-C-A. GRCh37 (hg19) VCF-style: chr11-6655398-C-A.
Other names: short protein forms R646L.
Identifiers: ClinVar variation 2715117 (VCV002715117.3), dbSNP rs1385876990, ClinGen allele CA379425453.

ClinVar aggregate classification (germline): Uncertain significance (1 of 4 stars; one submission).

Submission:

Labcorp Genetics (formerly Invitae), Labcorp
Classification: Uncertain significance. Last evaluated: 2023-06-14. Review status: criteria provided, single submitter. Criteria: Invitae Variant Classification Sherloc (09022015). Collection method: clinical testing. Allele origin: germline.
Comment: This sequence change replaces arginine, which is basic and polar, with leucine, which is neutral and non-polar, at codon 646 of the DCHS1 protein (p.Arg646Leu). This variant is not present in population databases (gnomAD no frequency). This variant has not been reported in the literature in individuals affected with DCHS1-related conditions. Advanced modeling of protein sequence and biophysical properties (such as structural, functional, and spatial information, amino acid conservation, physicochemical variation, residue mobility, and thermodynamic stability) performed at Invitae indicates that this missense variant is expected to disrupt DCHS1 protein function. In summary, the available evidence is currently insufficient to determine the role of this variant in disease. Therefore, it has been classified as a Variant of Uncertain Significance.